The following is an entry in ClinVar:

ClinVar aggregate classification (germline): Benign. Review status: criteria provided, multiple submitters, no conflicts (2 of 4 stars). 9 submissions from 7 submitters: Benign (6). 3 of the submissions do not count toward it. Last evaluated 2021-12-05.

Conditions:
Pseudoxanthoma elasticum, forme fruste. Also called: PSEUDOXANTHOMA ELASTICUM, HETEROZYGOUS; Pseudoxanthoma Elasticum, Incomplete. Identifiers: Orphanet 758, MedGen C1867450, MONDO:0008333, OMIM 177850.
Arterial calcification, generalized, of infancy, 2. Identifiers: Orphanet 51608, MedGen C3276161, MONDO:0013768, OMIM 614473.
Autosomal recessive inherited pseudoxanthoma elasticum (PXE). Identifiers: Orphanet 758, MedGen CN032334, MONDO:0009925, OMIM 264800.

Allele frequency attached by ClinVar (database versions not stated): gnomAD exomes 0.00085 and 0.00208; gnomAD 0.00876 and 0.00934; TOPMed 0.00971; ESP Exome Variant Server 0.00769; 1000 Genomes Project 30x 0.01062; ExAC 0.00432; 1000 Genomes Project 0.00978.

Submissions (9):

Genome-Nilou Lab
Classification: Benign for Arterial calcification, generalized, of infancy, 2. Last evaluated: 2021-12-05. Review status: criteria provided, single submitter. Criteria: ACMG Guidelines, 2015. Collection method: clinical testing. Allele origin: germline. Affected: no.

Genome-Nilou Lab
Classification: Benign for Autosomal recessive inherited pseudoxanthoma elasticum. Last evaluated: 2021-12-05. Review status: criteria provided, single submitter. Criteria: ACMG Guidelines, 2015. Collection method: clinical testing. Allele origin: germline. Affected: no.

Genome-Nilou Lab
Classification: Benign for Pseudoxanthoma elasticum, forme fruste. Last evaluated: 2021-12-05. Review status: criteria provided, single submitter. Criteria: ACMG Guidelines, 2015. Collection method: clinical testing. Allele origin: germline. Affected: no.

Labcorp Genetics (formerly Invitae), Labcorp
Classification: Benign. Last evaluated: 2019-12-31. Review status: criteria provided, single submitter. Criteria: Invitae Variant Classification Sherloc (09022015). Collection method: clinical testing. Allele origin: germline.

GeneDx
Classification: Benign. Last evaluated: 2016-05-02. Review status: criteria provided, single submitter. Criteria: GeneDx Variant Classification (06012015). Collection method: clinical testing. Allele origin: germline. Affected: yes.
Comment: This variant is considered likely benign or benign based on one or more of the following criteria: it is a conservative change, it occurs at a poorly conserved position in the protein, it is predicted to be benign by multiple in silico algorithms, and/or has population frequency not consistent with disease.

Breakthrough Genomics
Classification: Benign. Review status: criteria provided, single submitter. Criteria: ACMG Guidelines, 2015. Collection method: not provided. Allele origin: germline. Inheritance: Autosomal recessive inheritance. Affected: yes.

PXE International
Classification: Benign for Autosomal recessive inherited pseudoxanthoma elasticum. Last evaluated: 2021-03-01. Review status: no assertion criteria provided. Collection method: research. Allele origin: germline. Inheritance: Autosomal recessive inheritance. Affected: yes. Observed: 1 variant allele. Not counted in ClinVar's aggregate classification.

Clinical Genetics DNA and cytogenetics Diagnostics Lab, Erasmus MC, Erasmus Medical Center
Classification: Benign. Review status: no assertion criteria provided. Collection method: clinical testing. Allele origin: germline. Affected: yes. Study: VKGL Data-share Consensus. Not counted in ClinVar's aggregate classification.

Clinical Genetics, Academic Medical Center
Classification: Benign. Review status: no assertion criteria provided. Collection method: clinical testing. Allele origin: germline. Affected: yes. Study: VKGL Data-share Consensus. Not counted in ClinVar's aggregate classification.

Literature cited by the submitters: PubMed 32873932 (cited by PXE International).

NM_001171.6(ABCC6):c.487G>A (p.Asp163Asn)

Gene: ABCC6 (ATP binding cassette subfamily C member 6; minus strand). Cytogenetic location: 16p13.11.
Variant type: single nucleotide variant.
Coding change: c.487G>A on transcript NM_001171.6 (MANE Select); coding-DNA position 487, G replaced by A.
Protein change: p.Asp163Asn; replaces aspartic acid 163 with asparagine.
Molecular consequence: missense variant. On other transcripts: non-coding transcript variant (1).
Genome position (GRCh38, 1-based): chr16:16,214,437, C>T on the plus strand (G>A on the coding strand, the complement: ABCC6 is on the minus strand). VCF-style: chr16-16214437-C-T. GRCh37 (hg19) VCF-style: chr16-16308294-C-T.
Other names: c.145G>A, p.Asp49Asn (NM_001351800.1); short protein forms D163N, D49N.
Identifiers: ClinVar variation 379223 (VCV000379223.12), dbSNP rs192110266, ClinGen allele CA7926629.
Genomic context (GRCh38, chr16:16,214,437, plus strand): 5'-GCACAAACTGTGCCACCACCAGAGACAGGCATAGGTAGGTGGACAGGTGGCGGACAGGGT[C>T]GCTCTGGAAGCCCTGTGGGAGGGAAAGCAGAAGATAAGGAATGGAGACAGAGGAGGGTGC-3'
Protein context (NP_001162.5, residues 153-173): QQASGAGFQS[Asp163Asn]PVRHLSTYLC